The following is an entry in ClinVar:

NM_001356.5(DDX3X):c.569T>G (p.Ile190Ser)

Gene: DDX3X (DEAD-box helicase 3 X-linked; plus strand). Cytogenetic location: Xp11.4.
Variant type: single nucleotide variant.
Coding change: c.569T>G on transcript NM_001356.5 (MANE Select); coding-DNA position 569, T replaced by G.
Protein change: p.Ile190Ser; replaces isoleucine 190 with serine.
Molecular consequence: missense variant. On other transcripts: non-coding transcript variant (1).
Genome position (GRCh38, 1-based): chrX:41,343,241, T>G. VCF-style: chrX-41343241-T-G. GRCh37 (hg19) VCF-style: chrX-41202494-T-G.
Other names: c.569T>G, p.Ile190Ser (NM_001193416.3); c.521T>G, p.Ile174Ser (NM_001193417.3); c.11T>G, p.Ile4Ser (NM_001363819.1); short protein forms I190S, I4S, I174S.
Identifiers: ClinVar variation 521823 (VCV000521823.12), dbSNP rs1555953152, ClinGen allele CA412767815.
Genomic context (GRCh38, chrX:41,343,241, plus strand): 5'-GATAGCATTCCTAACCCCATTGAATTTCTTAACAGTTCAGTGATGTTGAGATGGGAGAAA[T>G]TATCATGGGAAACATTGAGCTTACTCGTTATACTCGCCCAACTCCAGTGCAAAAGCATGC-3'
Protein context (NP_001347.3, residues 180-200): ESFSDVEMGE[Ile190Ser]IMGNIELTRY

ClinVar aggregate classification (germline): Uncertain significance. Review status: criteria provided, multiple submitters, no conflicts (2 of 4 stars). 2 submissions from 2 submitters: Uncertain significance (2). Last evaluated 2018-07-19.

Conditions:
Inborn genetic diseases. Identifiers: MedGen C0950123, MeSH D030342.

Submissions (2):

Labcorp Genetics (formerly Invitae), Labcorp
Classification: Uncertain significance. Last evaluated: 2018-07-19. Review status: criteria provided, single submitter. Criteria: Invitae Variant Classification Sherloc (09022015). Collection method: clinical testing. Allele origin: germline.
Comment: This sequence change replaces isoleucine with serine at codon 190 of the DDX3X protein (p.Ile190Ser). The isoleucine residue is moderately conserved and there is a large physicochemical difference between isoleucine and serine. This variant is not present in population databases (ExAC no frequency). This variant has not been reported in the literature in individuals with DDX3X-related disease. ClinVar contains an entry for this variant (Variation ID: 521823). Algorithms developed to predict the effect of missense changes on protein structure and function are either unavailable or do not agree on the potential impact of this missense change (SIFT: "Deleterious"; Align-GVGD: "Class C0"). In summary, the available evidence is currently insufficient to determine the role of this variant in disease. Therefore, it has been classified as a Variant of Uncertain Significance.

Ambry Genetics
Classification: Uncertain significance for Inborn genetic diseases. Last evaluated: 2017-06-28. Review status: criteria provided, single submitter. Criteria: Ambry exome assertion method (8-5-2015). Collection method: clinical testing. Allele origin: germline. Affected: yes. Observed: 1 variant allele.